The following is an entry in ClinVar:

NM_000057.4(BLM):c.3569T>A (p.Met1190Lys)

Gene: BLM (BLM RecQ like helicase; plus strand). Cytogenetic location: 15q26.1.
Variant type: single nucleotide variant.
Coding change: c.3569T>A on transcript NM_000057.4 (MANE Select); coding-DNA position 3569, T replaced by A.
Protein change: p.Met1190Lys; replaces methionine 1190 with lysine.
Molecular consequence: missense variant. On other transcripts: intron variant (1).
Genome position (GRCh38, 1-based): chr15:90,804,177, T>A. VCF-style: chr15-90804177-T-A. GRCh37 (hg19) VCF-style: chr15-91347407-T-A.
Other names: c.3569T>A, p.Met1190Lys (NM_001287246.2); c.2444T>A, p.Met815Lys (NM_001287248.2); c.3359-4960T>A (NM_001287247.2); short protein forms M1190K, M815K.
Identifiers: ClinVar variation 1732764 (VCV001732764.2), dbSNP rs1555424373, ClinGen allele CA393847897.

ClinVar aggregate classification (germline): Uncertain significance (1 of 4 stars; one submission).

Conditions:
Hereditary cancer-predisposing syndrome. Also called: Neoplastic Syndromes, Hereditary; Tumor predisposition; Hereditary Cancer Syndrome; Hereditary neoplastic syndrome. Identifiers: Orphanet 140162, MedGen C0027672, MeSH D009386, MONDO:0015356.

Submission:

Ambry Genetics
Classification: Uncertain significance for Hereditary cancer-predisposing syndrome. Last evaluated: 2022-02-28. Review status: criteria provided, single submitter. Criteria: Ambry Variant Classification Scheme 2023. Collection method: clinical testing. Allele origin: germline.
Comment: The p.M1190K variant (also known as c.3569T>A), located in coding exon 18 of the BLM gene, results from a T to A substitution at nucleotide position 3569. The methionine at codon 1190 is replaced by lysine, an amino acid with similar properties. This amino acid position is conserved. In addition, this alteration is predicted to be tolerated by in silico analysis. Since supporting evidence is limited at this time, the clinical significance of this alteration remains unclear.